The following is an entry in ClinVar:

ClinVar aggregate classification (germline): Uncertain significance. Review status: criteria provided, multiple submitters, no conflicts (2 of 4 stars). 3 submissions from 3 submitters: Uncertain significance (2). 1 of the submissions does not count toward it. Last evaluated 2025-08-21.

Conditions:
Inborn genetic diseases. Identifiers: MedGen C0950123, MeSH D030342.
SIM1-related disorder. Also called: SIM1-related disorders; SIM1-related condition.

Allele frequency attached by ClinVar (database versions not stated): ExAC 0.00003; gnomAD 0.00003 and 0.00005; gnomAD exomes 0.00003 and 0.00004; TOPMed 0.00006; 1000 Genomes Project 30x 0.00047; 1000 Genomes Project 0.00060.
gnomAD v4.1: 44 of 1,614,066 alleles (0.0027%); highest among the groups gnomAD compares: African/African-American, 0.011%; no homozygotes.

Submissions (3):

Ambry Genetics
Classification: Uncertain significance for Inborn genetic diseases. Last evaluated: 2025-08-21. Review status: criteria provided, single submitter. Criteria: Ambry Variant Classification Scheme 2023. Collection method: clinical testing. Allele origin: germline.

Genetic Services Laboratory, University of Chicago
Classification: Uncertain significance. Last evaluated: 2017-04-13. Review status: criteria provided, single submitter. Criteria: ACMG Guidelines, 2015. Collection method: clinical testing. Allele origin: germline. Affected: no.

PreventionGenetics, part of Exact Sciences
Classification: Uncertain significance for SIM1-related condition. Last evaluated: 2024-08-29. Review status: no assertion criteria provided. Collection method: clinical testing. Allele origin: germline. Not counted in ClinVar's aggregate classification.
Comment: The SIM1 c.2173G>A variant is predicted to result in the amino acid substitution p.Glu725Lys. To our knowledge, this variant has not been reported in the literature. This variant is reported in 0.018% of alleles in individuals of African descent in gnomAD. At this time, the clinical significance of this variant is uncertain due to the absence of conclusive functional and genetic evidence.

NM_005068.3(SIM1):c.2173G>A (p.Glu725Lys)

Gene: SIM1 (SIM bHLH transcription factor 1; minus strand). Cytogenetic location: 6q16.3.
Variant type: single nucleotide variant.
Coding change: c.2173G>A on transcript NM_005068.3 (MANE Select); coding-DNA position 2173, G replaced by A.
Protein change: p.Glu725Lys; replaces glutamic acid 725 with lysine.
Molecular consequence: missense variant.
Genome position (GRCh38, 1-based): chr6:100,390,489, C>T on the plus strand (G>A on the coding strand, the complement: SIM1 is on the minus strand). VCF-style: chr6-100390489-C-T. GRCh37 (hg19) VCF-style: chr6-100838365-C-T.
Other names: c.2173G>A, p.Glu725Lys (NM_001374769.1); short protein forms E725K.
Identifiers: ClinVar variation 436728 (VCV000436728.11), dbSNP rs540345980, ClinGen allele CA3936858.